The following is an entry in ClinVar:

ClinVar aggregate classification (germline): Uncertain significance (1 of 4 stars; one submission).

Allele frequency attached by ClinVar (database versions not stated): gnomAD exomes below 0.00001.
gnomAD v4.1: 1 of 700,844 alleles (0.00014%); highest among the groups gnomAD compares: Non-Finnish European, 0.00026%; no homozygotes.

Submission:

CeGaT Center for Human Genetics Tuebingen
Classification: Uncertain significance. Last evaluated: 2022-12-01. Review status: criteria provided, single submitter. Criteria: CeGaT Center For Human Genetics Tuebingen Variant Classification Criteria Version 2. Collection method: clinical testing. Allele origin: germline. Affected: yes. Observed: 1 variant allele.
Comment: TNXB: PM2, PP3

NM_001365276.2(TNXB):c.2358+1717T>C

Gene: TNXB (tenascin XB; minus strand). Cytogenetic location: 6p21.33.
Variant type: single nucleotide variant.
Coding change: c.2358+1717T>C on transcript NM_001365276.2 (MANE Select); 1717 bases into the intron after coding-DNA position 2358, T replaced by C.
Molecular consequence: intron variant.
Genome position (GRCh38, 1-based): chr6:32,093,359, A>G on the plus strand (T>C on the coding strand, the complement: TNXB is on the minus strand). VCF-style: chr6-32093359-A-G. GRCh37 (hg19) VCF-style: chr6-32061136-A-G.
Other names: c.2358+1717T>C (NM_019105.8).
Identifiers: ClinVar variation 1879654 (VCV001879654.29), dbSNP rs1471963446, ClinGen allele CA363467858.